The following is an entry in ClinVar:

ClinVar aggregate classification (germline): Uncertain significance. Review status: criteria provided, multiple submitters, no conflicts (2 of 4 stars). 2 submissions from 2 submitters: Uncertain significance (2). Last evaluated 2021-08-20.

Conditions:
Peroxisome biogenesis disorder. Identifiers: Orphanet 79189, MedGen C1832200, MONDO:0019234. Disease mechanism: loss of function.

Submissions (2):

Blueprint Genetics
Classification: Uncertain significance. Last evaluated: 2021-08-20. Review status: criteria provided, single submitter. Criteria: ACMG Guidelines, 2015. Collection method: clinical testing. Allele origin: germline.

Labcorp Genetics (formerly Invitae), Labcorp
Classification: Uncertain significance for Peroxisome biogenesis disorder. Last evaluated: 2019-09-26. Review status: criteria provided, single submitter. Criteria: Invitae Variant Classification Sherloc (09022015). Collection method: clinical testing. Allele origin: germline.
Comment: In summary, the available evidence is currently insufficient to determine the role of this variant in disease. Therefore, it has been classified as a Variant of Uncertain Significance. Algorithms developed to predict the effect of missense changes on protein structure and function (SIFT, PolyPhen-2, Align-GVGD) all suggest that this variant is likely to be disruptive, but these predictions have not been confirmed by published functional studies and their clinical significance is uncertain. This variant has not been reported in the literature in individuals with PEX6-related conditions. This variant is not present in population databases (ExAC no frequency). This sequence change replaces leucine with proline at codon 858 of the PEX6 protein (p.Leu858Pro). The leucine residue is highly conserved and there is a moderate physicochemical difference between leucine and proline.

NM_000287.4(PEX6):c.2573T>C (p.Leu858Pro)

Gene: PEX6 (peroxisomal biogenesis factor 6; minus strand). Cytogenetic location: 6p21.1.
Variant type: single nucleotide variant.
Coding change: c.2573T>C on transcript NM_000287.4 (MANE Select); coding-DNA position 2573, T replaced by C.
Protein change: p.Leu858Pro; replaces leucine 858 with proline.
Molecular consequence: missense variant. On other transcripts: non-coding transcript variant (1).
Genome position (GRCh38, 1-based): chr6:42,965,267, A>G on the plus strand (T>C on the coding strand, the complement: PEX6 is on the minus strand). VCF-style: chr6-42965267-A-G. GRCh37 (hg19) VCF-style: chr6-42933005-A-G.
Other names: c.2309T>C, p.Leu770Pro (NM_001316313.2); short protein forms L858P, L770P.
Identifiers: ClinVar variation 964079 (VCV000964079.11), dbSNP rs1769725308, ClinGen allele CA364150879.
Genomic context (GRCh38, chr6:42,965,267, plus strand): 5'-GGAGGCACAAAATGAGGGTGGAGATGAGCAGTACAAGGGGCCCACCTGCCAGGCCGCAGA[A>G]GGGCAGGGTCCAGGAGATCTGGTCTGTTGGTGGCTCCAATCACAAACACATCCTGAGTGC-3'
Protein context (NP_000278.3, residues 848-868): TNRPDLLDPA[Leu858Pro]LRPGRFDKLV